The following is an entry in ClinVar:

NM_002016.2(FLG):c.5945_5946del (p.Thr1982fs)

Genes: CCDST (cervical cancer associated DHX9 suppressive transcript; plus strand), FLG (filaggrin; minus strand). Cytogenetic location: 1q21.3.
Variant type: Microsatellite.
Coding change: c.5945_5946del on transcript NM_002016.2 (MANE Select); coding-DNA positions 5945 to 5946, 2 bases deleted (CA; older notation c.5945_5946delCA).
Protein change: p.Thr1982fs; shifts the reading frame from threonine 1982.
Molecular consequence: frameshift variant.
Genome position (GRCh38, 1-based): chr1:152,308,940-152,308,941, TG deleted on the plus strand (CA on the coding strand, the reverse complement: FLG is on the minus strand); deleting any 2 consecutive bases within chr1:152,308,940-152,308,945 gives the same sequence; the c. name uses the placement nearest the transcript's 3' end. VCF-style (leftmost placement, unchanged base first): chr1-152308939-CTG-C. GRCh37 (hg19) VCF-style: chr1-152281415-CTG-C.
Other names: c.5945_5946delCA (NM_002016.1, NM_002016.2); short protein forms T1982fs.
Identifiers: ClinVar variation 430493 (VCV000430493.6), dbSNP rs771027814, ClinGen allele CA1105494.

ClinVar aggregate classification (germline): Pathogenic. Review status: criteria provided, multiple submitters, no conflicts (2 of 4 stars). 2 submissions from 2 submitters: Pathogenic (2). Last evaluated 2025-07-28.

Submissions (2):

GeneDx
Classification: Pathogenic. Last evaluated: 2025-07-28. Review status: criteria provided, single submitter. Criteria: GeneDx Variant Classification Process June 2021. Collection method: clinical testing. Allele origin: germline. Affected: yes.
Comment: Frameshift variant predicted to result in protein truncation, as the last 2080 amino acids are replaced with 12 different amino acids, and other loss-of-function variants have been reported downstream in HGMD; Identified as heterozygous in patients with psoriasis or eczema referred for genetic testing at GeneDx; Has not been previously published as pathogenic or benign to our knowledge; This variant is associated with the following publications: (PMID: 16444271)

Center for Genomic Medicine, Rigshospitalet, Copenhagen University Hospital
Classification: Pathogenic. Last evaluated: 2025-03-04. Review status: criteria provided, single submitter. Criteria: ACMG Guidelines, 2015. Collection method: clinical testing. Allele origin: germline.